The following is an entry in ClinVar:

ClinVar aggregate classification (germline): Uncertain significance (1 of 4 stars; one submission).

Conditions:
Oligodontia-cancer predisposition syndrome. Also called: TOOTH AGENESIS-COLORECTAL CANCER SYNDROME. Identifiers: Orphanet 300576, MedGen C1837750, MONDO:0012075, OMIM 608615. Disease mechanism: loss of function.

gnomAD v4.1: 1 of 1,614,248 alleles (0.000062%); highest among the groups gnomAD compares: Non-Finnish European, 0.000085%; no homozygotes.

Submission:

Labcorp Genetics (formerly Invitae), Labcorp
Classification: Uncertain significance for Oligodontia-cancer predisposition syndrome. Last evaluated: 2025-04-20. Review status: criteria provided, single submitter. Criteria: Invitae Variant Classification Sherloc (09022015). Collection method: clinical testing. Allele origin: germline.
Comment: This sequence change replaces arginine, which is basic and polar, with proline, which is neutral and non-polar, at codon 399 of the AXIN2 protein (p.Arg399Pro). This variant is not present in population databases (gnomAD no frequency). This variant has not been reported in the literature in individuals affected with AXIN2-related conditions. ClinVar contains an entry for this variant (Variation ID: 966309). Invitae Evidence Modeling of protein sequence and biophysical properties (such as structural, functional, and spatial information, amino acid conservation, physicochemical variation, residue mobility, and thermodynamic stability) indicates that this missense variant is not expected to disrupt AXIN2 protein function with a negative predictive value of 80%. In summary, the available evidence is currently insufficient to determine the role of this variant in disease. Therefore, it has been classified as a Variant of Uncertain Significance.

NM_004655.4(AXIN2):c.1196G>C (p.Arg399Pro)

Gene: AXIN2 (axin 2; minus strand). Cytogenetic location: 17q24.1.
Variant type: single nucleotide variant.
Coding change: c.1196G>C on transcript NM_004655.4 (MANE Select); coding-DNA position 1196, G replaced by C.
Protein change: p.Arg399Pro; replaces arginine 399 with proline.
Molecular consequence: missense variant.
Genome position (GRCh38, 1-based): chr17:65,538,207, C>G on the plus strand (G>C on the coding strand, the complement: AXIN2 is on the minus strand). VCF-style: chr17-65538207-C-G. GRCh37 (hg19) VCF-style: chr17-63534325-C-G.
Other names: c.1196G>C, p.Arg399Pro (NM_001363813.1); short protein forms R399P.
Identifiers: ClinVar variation 966309 (VCV000966309.10), dbSNP rs765865516, ClinGen allele CA400678120.
Genomic context (GRCh38, chr17:65,538,207, plus strand): 5'-ACATACGAGCGCTCACGCCGTGGACGGAAGCAGGAAGAAGGCCTAGGCCGCATTACCTCT[C>G]GGATCTGCTGCAGGCGCTCCTCCAGGCTGTGGCGGCTCTCCAACTCCAGCTTCAGCTTTT-3'
Protein context (NP_004646.3, residues 389-409): HSLEERLQQI[Arg399Pro]EDEEREGSEL